The following is an entry in ClinVar:

NM_001943.5(DSG2):c.1128G>T (p.Lys376Asn)

Gene: DSG2 (desmoglein 2; plus strand). Cytogenetic location: 18q12.1.
Variant type: single nucleotide variant.
Coding change: c.1128G>T on transcript NM_001943.5 (MANE Select); coding-DNA position 1128, G replaced by T.
Protein change: p.Lys376Asn; replaces lysine 376 with asparagine.
Molecular consequence: missense variant.
Genome position (GRCh38, 1-based): chr18:31,531,100, G>T. VCF-style: chr18-31531100-G-T. GRCh37 (hg19) VCF-style: chr18-29111063-G-T.
Other names: c.1128G>T (NM_001943.3); short protein forms K376N.
Identifiers: ClinVar variation 1460679 (VCV001460679.9), dbSNP rs760119108, ClinGen allele CA402138693.
Genomic context (GRCh38, chr18:31,531,100, plus strand): 5'-TAAAGCAGCTTTTCACAAGTCGATTAGGAGTAAATACAAGCCTACACCCATTCCCATCAA[G>T]GTCAAAGTGAAAAATGTGAAAGAAGGCATTCATTTTAAAAGCAGCGTCATCTCAATTTAT-3'
Protein context (NP_001934.2, residues 366-386): SKYKPTPIPI[Lys376Asn]VKVKNVKEGI

ClinVar aggregate classification (germline): Uncertain significance. Review status: criteria provided, multiple submitters, no conflicts (2 of 4 stars). 3 submissions from 3 submitters: Uncertain significance (3). Last evaluated 2026-08-19.

Conditions:
Cardiomyopathy (CMYO). Also called: Cardiomyopathies. Identifiers: Orphanet 167848, MedGen C0878544, MONDO:0004994, HP:0001638. Inheritance: Various modes of inheritance.
Cardiovascular phenotype. Identifiers: MedGen CN230736.
Arrhythmogenic right ventricular dysplasia 10. Also called: Arrhythmogenic Right Ventricular Dysplasia/Cardiomyopathy10; ARRHYTHMOGENIC RIGHT VENTRICULAR DYSPLASIA, FAMILIAL, 10; Arrhythmogenic right ventricular dysplasia/cardiomyopathy, type 10. Identifiers: MedGen C1857777, MONDO:0012434, OMIM 610193.

gnomAD v4.1: 3 of 1,613,998 alleles (0.00019%); highest among the groups gnomAD compares: Non-Finnish European, 0.00017%; no homozygotes.

Submissions (3):

Ambry Genetics
Classification: Uncertain significance for Cardiovascular phenotype. Last evaluated: 2026-08-19. Review status: criteria provided, single submitter. Criteria: Ambry Variant Classification Scheme 2023. Collection method: clinical testing. Allele origin: germline.
Comment: The p.K376N variant (also known as c.1128G>T), located in coding exon 9 of the DSG2 gene, results from a G to T substitution at nucleotide position 1128. The lysine at codon 376 is replaced by asparagine, an amino acid with similar properties. This amino acid position is conserved. In addition, this alteration is predicted to be tolerated by in silico analysis. Based on the available evidence, the clinical significance of this variant remains unclear.

Color Diagnostics, LLC DBA Color Health
Classification: Uncertain significance for Cardiomyopathy. Last evaluated: 2025-09-01. Review status: criteria provided, single submitter. Criteria: ACMG Guidelines, 2015. Collection method: clinical testing. Allele origin: germline.
Comment: This missense variant replaces lysine with asparagine at codon 376 of the DSG2 protein. Computational prediction suggests that this variant may not impact protein structure and function. To our knowledge, functional studies have not been reported for this variant. This variant has not been reported in individuals affected with DSG2-related disorders in the literature. This variant has not been identified in the general population by the Genome Aggregation Database (gnomAD). The available evidence is insufficient to determine the role of this variant in disease conclusively. Therefore, this variant is classified as a Variant of Uncertain Significance.

Labcorp Genetics (formerly Invitae), Labcorp
Classification: Uncertain significance for Arrhythmogenic right ventricular dysplasia 10. Last evaluated: 2020-12-11. Review status: criteria provided, single submitter. Criteria: Invitae Variant Classification Sherloc (09022015). Collection method: clinical testing. Allele origin: germline.
Comment: Algorithms developed to predict the effect of missense changes on protein structure and function are either unavailable or do not agree on the potential impact of this missense change (SIFT: "Deleterious"; PolyPhen-2: "Possibly Damaging"; Align-GVGD: "Class C0"). This variant has not been reported in the literature in individuals with DSG2-related conditions. This variant is not present in population databases (ExAC no frequency). This sequence change replaces lysine with asparagine at codon 376 of the DSG2 protein (p.Lys376Asn). The lysine residue is moderately conserved and there is a moderate physicochemical difference between lysine and asparagine. In summary, the available evidence is currently insufficient to determine the role of this variant in disease. Therefore, it has been classified as a Variant of Uncertain Significance.